The following is an entry in ClinVar:

ClinVar aggregate classification (germline): Uncertain significance (1 of 4 stars; one submission).

Conditions:
Eichsfeld type congenital muscular dystrophy (CMYO3). Also called: Rigid spine muscular dystrophy 1; MYOPATHY, SEPN1-RELATED; SELENON-related myopathy; Congenital myopathy 3 with rigid spine. Identifiers: MedGen C0410180, MONDO:0100100, OMIM 602771.

gnomAD v4.1: 5 of 1,614,196 alleles (0.00031%); highest among the groups gnomAD compares: Non-Finnish European, 0.00042%; no homozygotes.

Submission:

Labcorp Genetics (formerly Invitae), Labcorp
Classification: Uncertain significance for Eichsfeld type congenital muscular dystrophy. Last evaluated: 2022-04-13. Review status: criteria provided, single submitter. Criteria: Invitae Variant Classification Sherloc (09022015). Collection method: clinical testing. Allele origin: germline.
Comment: This sequence change replaces lysine, which is basic and polar, with asparagine, which is neutral and polar, at codon 550 of the SELENON protein (p.Lys550Asn). This variant is not present in population databases (gnomAD no frequency). This variant has not been reported in the literature in individuals affected with SELENON-related conditions. Algorithms developed to predict the effect of missense changes on protein structure and function are either unavailable or do not agree on the potential impact of this missense change (SIFT: "Deleterious"; PolyPhen-2: "Possibly Damaging"; Align-GVGD: "Class C0"). In summary, the available evidence is currently insufficient to determine the role of this variant in disease. Therefore, it has been classified as a Variant of Uncertain Significance.

NM_206926.2(SELENON):c.1548G>C (p.Lys516Asn)

Gene: SELENON (selenoprotein N; plus strand). Cytogenetic location: 1p36.11.
Variant type: single nucleotide variant.
Coding change: c.1548G>C on transcript NM_206926.2 (MANE Select); coding-DNA position 1548, G replaced by C.
Protein change: p.Lys516Asn; replaces lysine 516 with asparagine.
Molecular consequence: missense variant.
Genome position (GRCh38, 1-based): chr1:25,815,595, G>C. VCF-style: chr1-25815595-G-C. GRCh37 (hg19) VCF-style: chr1-26142086-G-C.
Other names: c.1650G>C, p.Lys550Asn (NM_020451.3); short protein forms K516N, K550N.
Identifiers: ClinVar variation 2117656 (VCV002117656.4), dbSNP rs1486569403, ClinGen allele CA339121180.